The following is an entry in ClinVar:

ClinVar aggregate classification (germline): Uncertain significance. Review status: criteria provided, multiple submitters, no conflicts (2 of 4 stars). 2 submissions from 2 submitters: Uncertain significance (2). Last evaluated 2024-12-17.

Submissions (2):

GeneDx
Classification: Uncertain significance. Last evaluated: 2024-12-17. Review status: criteria provided, single submitter. Criteria: GeneDx Variant Classification Process June 2021. Collection method: clinical testing. Allele origin: germline. Affected: yes.
Comment: Not observed at significant frequency in large population cohorts (gnomAD); In silico analysis supports a deleterious effect on protein structure/function; Has not been previously published as pathogenic or benign to our knowledge

Blueprint Genetics
Classification: Uncertain significance. Last evaluated: 2023-07-13. Review status: criteria provided, single submitter. Criteria: ACMG Guidelines, 2015. Collection method: clinical testing. Allele origin: germline.

NM_031475.3(ESPN):c.628_629delinsGG (p.Leu210Gly)

Gene: ESPN (espin; plus strand). Cytogenetic location: 1p36.31.
Variant type: Indel.
Coding change: c.628_629delinsGG on transcript NM_031475.3 (MANE Select); coding-DNA positions 628 to 629, CT replaced by GG.
Protein change: p.Leu210Gly; replaces leucine 210 with glycine.
Molecular consequence: missense variant.
Genome position (GRCh38, 1-based): chr1:6,440,393-6,440,394, CT replaced by GG. VCF-style: chr1-6440393-CT-GG. GRCh37 (hg19) VCF-style: chr1-6500453-CT-GG.
Other names: c.628_629delinsGG, p.Leu210Gly (NM_001367473.1, NM_001367474.1); short protein forms L210G.
Identifiers: ClinVar variation 3906637 (VCV003906637.2).